The following is an entry in ClinVar:

NM_015702.3(MMADHC):c.-16A>G

Genes: MMADHC (metabolism of cobalamin associated D; minus strand), LOC126806368 (MED14-independent group 3 enhancer GRCh37_chr2:150443500-150444699; plus strand). Cytogenetic location: 2q23.2.
Variant type: single nucleotide variant.
Coding change: c.-16A>G on transcript NM_015702.3 (MANE Select); 16 bases upstream of the start codon, A replaced by G.
Molecular consequence: 5 prime UTR variant.
Genome position (GRCh38, 1-based): chr2:149,587,113, T>C on the plus strand (A>G on the coding strand, the complement: MMADHC is on the minus strand). VCF-style: chr2-149587113-T-C. GRCh37 (hg19) VCF-style: chr2-150443627-T-C.
Identifiers: ClinVar variation 331385 (VCV000331385.5), dbSNP rs144111552, ClinGen allele CA1902536.

ClinVar aggregate classification (germline): Conflicting classifications of pathogenicity. Review status: criteria provided, conflicting classifications (1 of 4 stars). 3 submissions from 2 submitters: Uncertain significance (2); Likely benign (1). Last evaluated 2018-01-12.

Conditions:
Disorders of Intracellular Cobalamin Metabolism. Identifiers: MedGen CN043592.
Methylmalonic aciduria and homocystinuria type cblD (MAHCD). Also called: Methylmalonic aciduria with homocystinuria cblD type; METHYLMALONIC ACIDEMIA, cblH TYPE. Identifiers: Orphanet 622, Orphanet 79283, MedGen C1848552, MONDO:0010185, OMIM 277410.

Allele frequency attached by ClinVar (database versions not stated): ESP Exome Variant Server 0.00008; gnomAD 0.00009 and 0.00014; TOPMed 0.00009; 1000 Genomes Project 0.00060; 1000 Genomes Project 30x 0.00078.
gnomAD v4.1: 108 of 1,613,566 alleles (0.0067%); highest among the groups gnomAD compares: South Asian, 0.036%; 1 homozygote.

Submissions (3):

Illumina Laboratory Services, Illumina
Classification: Uncertain significance for Disorders of Intracellular Cobalamin Metabolism. Last evaluated: 2018-01-12. Review status: criteria provided, single submitter. Criteria: ICSL Variant Classification Criteria 13 December 2019. Collection method: clinical testing. Allele origin: germline.

Illumina Laboratory Services, Illumina
Classification: Uncertain significance for Methylmalonic aciduria and homocystinuria type cblD. Last evaluated: 2018-01-12. Review status: criteria provided, single submitter. Criteria: ICSL Variant Classification Criteria 13 December 2019. Collection method: clinical testing. Allele origin: germline.

GeneDx
Classification: Likely benign. Last evaluated: 2017-10-05. Review status: criteria provided, single submitter. Criteria: GeneDx Variant Classification (06012015). Collection method: clinical testing. Allele origin: germline. Affected: yes.
Comment: This variant is considered likely benign or benign based on one or more of the following criteria: it is a conservative change, it occurs at a poorly conserved position in the protein, it is predicted to be benign by multiple in silico algorithms, and/or has population frequency not consistent with disease.